The following is an entry in ClinVar:

NM_000722.4(CACNA2D1):c.2710C>T (p.His904Tyr)

Gene: CACNA2D1 (calcium voltage-gated channel auxiliary subunit alpha2delta 1; minus strand). Cytogenetic location: 7q21.11.
Variant type: single nucleotide variant.
Coding change: c.2710C>T on transcript NM_000722.4 (MANE Select); coding-DNA position 2710, C replaced by T.
Protein change: p.His904Tyr; replaces histidine 904 with tyrosine.
Molecular consequence: missense variant.
Genome position (GRCh38, 1-based): chr7:81,964,224, G>A on the plus strand (C>T on the coding strand, the complement: CACNA2D1 is on the minus strand). VCF-style: chr7-81964224-G-A. GRCh37 (hg19) VCF-style: chr7-81593540-G-A.
Other names: c.2746C>T, p.His916Tyr (NM_001366867.1); short protein forms H916Y, H904Y.
Identifiers: ClinVar variation 2143896 (VCV002143896.5), dbSNP rs201755371, ClinGen allele CA4317548.
Genomic context (GRCh38, chr7:81,964,224, plus strand): 5'-TGAGTACCCCTTGAGAATTGATTAGACCGTGGATATTACTGACCACATATGCTGAGCGAT[G>A]TCCTGCTCCTTGTTTTGGTGCAGCACCGGGCTCACATACTGACTGATAATCATAAGATTT-3'
Protein context (NP_000713.2, residues 894-914): PGAAPKQGAG[His904Tyr]RSAYVPSVAD

ClinVar aggregate classification (germline): Uncertain significance. Review status: criteria provided, multiple submitters, no conflicts (2 of 4 stars). 2 submissions from 2 submitters: Uncertain significance (2). Last evaluated 2024-12-12.

Conditions:
Cardiovascular phenotype. Identifiers: MedGen CN230736.
Brugada syndrome. Also called: Sudden unexpected nocturnal death syndrome; Sudden Unexplained Death Syndrome; Sudden Unexplained Nocturnal Death Syndrome (SUNDS); Sudden unexplained nocturnal death syndrome. Identifiers: Orphanet 130, MedGen C1142166, MONDO:0015263.

Allele frequency attached by ClinVar (database versions not stated): gnomAD exomes below 0.00001; gnomAD 0.00001; ExAC 0.00002; TOPMed 0.00002; 1000 Genomes Project 0.00020; 1000 Genomes Project 30x 0.00031.
gnomAD v4.1: 6 of 1,612,868 alleles (0.00037%); highest among the groups gnomAD compares: African/African-American, 0.008%; no homozygotes.

Submissions (2):

Labcorp Genetics (formerly Invitae), Labcorp
Classification: Uncertain significance for Brugada syndrome. Last evaluated: 2024-12-12. Review status: criteria provided, single submitter. Criteria: Invitae Variant Classification Sherloc (09022015). Collection method: clinical testing. Allele origin: germline.
Comment: This sequence change replaces histidine, which is basic and polar, with tyrosine, which is neutral and polar, at codon 904 of the CACNA2D1 protein (p.His904Tyr). This variant is present in population databases (rs201755371, gnomAD 0.01%). This variant has not been reported in the literature in individuals affected with CACNA2D1-related conditions. ClinVar contains an entry for this variant (Variation ID: 2143896). An algorithm developed to predict the effect of missense changes on protein structure and function (PolyPhen-2) suggests that this variant is likely to be tolerated. In summary, the available evidence is currently insufficient to determine the role of this variant in disease. Therefore, it has been classified as a Variant of Uncertain Significance.

Ambry Genetics
Classification: Uncertain significance for Cardiovascular phenotype. Last evaluated: 2023-11-30. Review status: criteria provided, single submitter. Criteria: Ambry Variant Classification Scheme 2023. Collection method: clinical testing. Allele origin: germline.
Comment: The p.H904Y variant (also known as c.2710C>T), located in coding exon 33 of the CACNA2D1 gene, results from a C to T substitution at nucleotide position 2710. The histidine at codon 904 is replaced by tyrosine, an amino acid with similar properties. This amino acid position is conserved. In addition, this alteration is predicted to be tolerated by in silico analysis. Since supporting evidence is limited at this time, the clinical significance of this alteration remains unclear.